The following is an entry in ClinVar:

ClinVar aggregate classification (germline): Uncertain significance (1 of 4 stars; one submission).

Conditions:
Deficiency of acetyl-CoA acetyltransferase. Also called: 3-KETOTHIOLASE DEFICIENCY; 3-OXOTHIOLASE DEFICIENCY; MITOCHONDRIAL ACETOACETYL-CoA THIOLASE DEFICIENCY; Beta-ketothiolase deficiency. Identifiers: Orphanet 134, MedGen C1536500, MONDO:0008760, OMIM 203750. Disease mechanism: loss of function.

Allele frequency attached by ClinVar (database versions not stated): gnomAD exomes below 0.00001; ExAC 0.00001.

Submission:

Labcorp Genetics (formerly Invitae), Labcorp
Classification: Uncertain significance for Deficiency of acetyl-CoA acetyltransferase. Last evaluated: 2023-05-09. Review status: criteria provided, single submitter. Criteria: Invitae Variant Classification Sherloc (09022015). Collection method: clinical testing. Allele origin: germline.
Comment: This variant has not been reported in the literature in individuals affected with ACAT1-related conditions. Advanced modeling of protein sequence and biophysical properties (such as structural, functional, and spatial information, amino acid conservation, physicochemical variation, residue mobility, and thermodynamic stability) performed at Invitae indicates that this missense variant is expected to disrupt ACAT1 protein function. In summary, the available evidence is currently insufficient to determine the role of this variant in disease. Therefore, it has been classified as a Variant of Uncertain Significance. This variant is present in population databases (rs757252358, gnomAD 0.003%). This sequence change replaces alanine, which is neutral and non-polar, with proline, which is neutral and non-polar, at codon 132 of the ACAT1 protein (p.Ala132Pro).

NM_000019.4(ACAT1):c.394G>C (p.Ala132Pro)

Gene: ACAT1 (acetyl-CoA acetyltransferase 1; plus strand). Cytogenetic location: 11q22.3.
Variant type: single nucleotide variant.
Coding change: c.394G>C on transcript NM_000019.4 (MANE Select); coding-DNA position 394, G replaced by C.
Protein change: p.Ala132Pro; replaces alanine 132 with proline.
Molecular consequence: missense variant. On other transcripts: non-coding transcript variant (1), intron variant (1).
Genome position (GRCh38, 1-based): chr11:108,135,201, G>C. VCF-style: chr11-108135201-G-C. GRCh37 (hg19) VCF-style: chr11-108005928-G-C.
Other names: c.394G>C, p.Ala132Pro (NM_001386677.1); c.97G>C, p.Ala33Pro (NM_001386679.1); c.124G>C, p.Ala42Pro (NM_001386681.1, NM_001386682.1, NM_001386685.1 and 6 more transcripts); c.120+3247G>C (NM_001386678.1); short protein forms A42P, A132P, A33P.
Identifiers: ClinVar variation 2981653 (VCV002981653.3), dbSNP rs757252358, ClinGen allele CA6263106.